The following is an entry in ClinVar:

NM_001349253.2(SCN11A):c.1975T>C (p.Cys659Arg)

Gene: SCN11A (sodium voltage-gated channel alpha subunit 11; minus strand). Cytogenetic location: 3p22.2.
Variant type: single nucleotide variant.
Coding change: c.1975T>C on transcript NM_001349253.2 (MANE Select); coding-DNA position 1975, T replaced by C.
Protein change: p.Cys659Arg; replaces cysteine 659 with arginine.
Molecular consequence: missense variant.
Genome position (GRCh38, 1-based): chr3:38,899,941, A>G on the plus strand (T>C on the coding strand, the complement: SCN11A is on the minus strand). VCF-style: chr3-38899941-A-G. GRCh37 (hg19) VCF-style: chr3-38941432-A-G.
Other names: c.1975T>C, p.Cys659Arg (NM_014139.3); short protein forms C659R.
Identifiers: ClinVar variation 1973146 (VCV001973146.5), dbSNP rs2470573645, ClinGen allele CA352161315.
Genomic context (GRCh38, chr3:38,899,941, plus strand): 5'-GAAAGTGCCTTACCACTCTGAAGGAACGCAAGAATGGCCAGCTTCTCTTTTGAAGTACAC[A>G]GTTCATTACATCTGCAAAACTCAGAAGAGCAACAATGCTGTCAAAAATGTTCCAGCCTCG-3'
Protein context (NP_001336182.1, residues 649-669): ALLSFADVMN[Cys659Arg]VLQKRSWPFL

ClinVar aggregate classification (germline): Uncertain significance (1 of 4 stars; one submission).

Conditions:
Hereditary sensory and autonomic neuropathy type 7. Also called: Neuropathy, hereditary sensory and autonomic, type VII; HSAN VII. Identifiers: Orphanet 391397, MedGen C3809882, MONDO:0014244, OMIM 615548.
Familial episodic pain syndrome with predominantly lower limb involvement. Also called: Episodic pain syndrome, familial, 3. Identifiers: Orphanet 391384, Orphanet 391392, MedGen C3809899, MONDO:0014247, OMIM 615552.

Allele frequency attached by ClinVar (database versions not stated): gnomAD exomes below 0.00001.
gnomAD v4.1: 1 of 1,614,146 alleles (0.000062%); highest among the groups gnomAD compares: East Asian, 0.0022%; no homozygotes.

Submission:

Labcorp Genetics (formerly Invitae), Labcorp
Classification: Uncertain significance for Familial episodic pain syndrome with predominantly lower limb involvement; Hereditary sensory and autonomic neuropathy type 7. Last evaluated: 2022-01-01. Review status: criteria provided, single submitter. Criteria: Invitae Variant Classification Sherloc (09022015). Collection method: clinical testing. Allele origin: germline.
Comment: This sequence change replaces cysteine, which is neutral and slightly polar, with arginine, which is basic and polar, at codon 659 of the SCN11A protein (p.Cys659Arg). This variant is not present in population databases (gnomAD no frequency). This variant has not been reported in the literature in individuals affected with SCN11A-related conditions. Algorithms developed to predict the effect of missense changes on protein structure and function (SIFT, PolyPhen-2, Align-GVGD) all suggest that this variant is likely to be tolerated. In summary, the available evidence is currently insufficient to determine the role of this variant in disease. Therefore, it has been classified as a Variant of Uncertain Significance.